The following is an entry in ClinVar:

NM_000492.4(CFTR):c.4087A>C (p.Lys1363Gln)

Gene: CFTR (CF transmembrane conductance regulator; plus strand). Cytogenetic location: 7q31.2.
Variant type: single nucleotide variant.
Coding change: c.4087A>C on transcript NM_000492.4 (MANE Select); coding-DNA position 4087, A replaced by C.
Protein change: p.Lys1363Gln; replaces lysine 1363 with glutamine.
Molecular consequence: missense variant.
Genome position (GRCh38, 1-based): chr7:117,664,811, A>C. VCF-style: chr7-117664811-A-C. GRCh37 (hg19) VCF-style: chr7-117304865-A-C.
Other names: short protein forms K1363Q.
Identifiers: ClinVar variation 411127 (VCV000411127.11), dbSNP rs1060503166, ClinGen allele CA16612022.

ClinVar aggregate classification (germline): Uncertain significance. Review status: criteria provided, multiple submitters, no conflicts (2 of 4 stars). 3 submissions from 3 submitters: Uncertain significance (2). 1 of the submissions does not count toward it. Last evaluated 2025-09-15.

Conditions:
CFTR-related disorder (CFTR-RD). Also called: CFTR-related disorders; CFTR-related condition. Identifiers: MedGen C5924204, MONDO:7770004.
Cystic fibrosis (CF). Also called: MUCOVISCIDOSIS. Identifiers: Orphanet 586, MedGen C0010674, MONDO:0009061, OMIM 219700. Disease mechanism: loss of function.

Allele frequency attached by ClinVar (database versions not stated): gnomAD exomes below 0.00001; gnomAD 0.00001; TOPMed below 0.00001.
gnomAD v4.1: 2 of 1,613,914 alleles (0.00012%); highest among the groups gnomAD compares: Non-Finnish European, 0.00017%; no homozygotes.

Submissions (3):

Labcorp Genetics (formerly Invitae), Labcorp
Classification: Uncertain significance for Cystic fibrosis. Last evaluated: 2025-09-15. Review status: criteria provided, single submitter. Criteria: Invitae Variant Classification Sherloc (09022015). Collection method: clinical testing. Allele origin: germline.
Comment: This sequence change replaces lysine, which is basic and polar, with glutamine, which is neutral and polar, at codon 1363 of the CFTR protein (p.Lys1363Gln). This variant is present in population databases (no rsID available, gnomAD 0.0009%). This variant has not been reported in the literature in individuals affected with CFTR-related conditions. ClinVar contains an entry for this variant (Variation ID: 411127). Invitae Evidence Modeling of protein sequence and biophysical properties (such as structural, functional, and spatial information, amino acid conservation, physicochemical variation, residue mobility, and thermodynamic stability) has been performed for this missense variant. However, the output from this modeling did not meet the statistical confidence thresholds required to predict the impact of this variant on CFTR protein function. In summary, the available evidence is currently insufficient to determine the role of this variant in disease. Therefore, it has been classified as a Variant of Uncertain Significance.

Ambry Genetics
Classification: Uncertain significance for Cystic fibrosis. Last evaluated: 2022-03-29. Review status: criteria provided, single submitter. Criteria: Ambry Variant Classification Scheme 2023. Collection method: clinical testing. Allele origin: germline.
Comment: The p.K1363Q variant (also known as c.4087A>C), located in coding exon 25 of the CFTR gene, results from an A to C substitution at nucleotide position 4087. The lysine at codon 1363 is replaced by glutamine, an amino acid with similar properties. This amino acid position is well conserved in available vertebrate species. In addition, the in silico prediction for this alteration is inconclusive. Since supporting evidence is limited at this time, the clinical significance of this alteration remains unclear.

Natera, Inc.
Classification: Uncertain significance for CFTR-related disorders. Last evaluated: 2018-07-24. Review status: no assertion criteria provided. Collection method: clinical testing. Allele origin: germline. Not counted in ClinVar's aggregate classification.